The following is an entry in ClinVar:

NM_032119.4(ADGRV1):c.14053G>A (p.Glu4685Lys)

Gene: ADGRV1 (adhesion G protein-coupled receptor V1; plus strand). Cytogenetic location: 5q14.3.
Variant type: single nucleotide variant.
Coding change: c.14053G>A on transcript NM_032119.4 (MANE Select); coding-DNA position 14053, G replaced by A.
Protein change: p.Glu4685Lys; replaces glutamic acid 4685 with lysine.
Molecular consequence: missense variant. On other transcripts: non-coding transcript variant (1).
Genome position (GRCh38, 1-based): chr5:90,790,882, G>A. VCF-style: chr5-90790882-G-A. GRCh37 (hg19) VCF-style: chr5-90086699-G-A.
Other names: short protein forms E4685K.
Identifiers: ClinVar variation 3612864 (VCV003612864.2).

ClinVar aggregate classification (germline): Uncertain significance (1 of 4 stars; one submission).

gnomAD v4.1: 3 of 1,602,730 alleles (0.00019%); highest among the groups gnomAD compares: Non-Finnish European, 0.00026%; no homozygotes.

Submission:

Labcorp Genetics (formerly Invitae), Labcorp
Classification: Uncertain significance. Last evaluated: 2024-07-30. Review status: criteria provided, single submitter. Criteria: Invitae Variant Classification Sherloc (09022015). Collection method: clinical testing. Allele origin: germline.
Comment: This sequence change replaces glutamic acid, which is acidic and polar, with lysine, which is basic and polar, at codon 4685 of the ADGRV1 protein (p.Glu4685Lys). This variant is present in population databases (rs768575342, gnomAD 0.002%). This variant has not been reported in the literature in individuals affected with ADGRV1-related conditions. Advanced modeling of protein sequence and biophysical properties (such as structural, functional, and spatial information, amino acid conservation, physicochemical variation, residue mobility, and thermodynamic stability) performed at Invitae indicates that this missense variant is not expected to disrupt ADGRV1 protein function with a negative predictive value of 95%. In summary, the available evidence is currently insufficient to determine the role of this variant in disease. Therefore, it has been classified as a Variant of Uncertain Significance.